The following is an entry in ClinVar:

ClinVar aggregate classification (germline): Benign/Likely benign. Review status: criteria provided, multiple submitters, no conflicts (2 of 4 stars). 8 submissions from 8 submitters: Benign (4); Likely benign (3). 1 of the submissions does not count toward it. Last evaluated 2026-02-03.

Conditions:
D-2-hydroxyglutaric aciduria 1 (D2HGA1). Identifiers: Orphanet 79315, MedGen C3152055, MONDO:0024554, OMIM 600721.

Allele frequency attached by ClinVar (database versions not stated): gnomAD 0.25945 and 0.25699; ESP Exome Variant Server 0.27081; 1000 Genomes Project 0.22364; 1000 Genomes Project 30x 0.22626; gnomAD exomes 0.24240 and 0.25392; ExAC 0.24886; TOPMed 0.25247.
gnomAD v4.1: 409,998 of 1,613,708 alleles (25%); highest among the groups gnomAD compares: Middle Eastern, 33%; 53,154 homozygotes.

Submissions (8):

Labcorp Genetics (formerly Invitae), Labcorp
Classification: Benign for D-2-hydroxyglutaric aciduria 1. Last evaluated: 2026-02-03. Review status: criteria provided, single submitter. Criteria: Invitae Variant Classification Sherloc (09022015). Collection method: clinical testing. Allele origin: germline.

Blueprint Genetics
Classification: Likely benign. Last evaluated: 2024-11-26. Review status: criteria provided, single submitter. Criteria: ACMG Guidelines, 2015. Collection method: clinical testing. Allele origin: germline.

Genome-Nilou Lab
Classification: Benign for D-2-hydroxyglutaric aciduria 1. Last evaluated: 2021-07-30. Review status: criteria provided, single submitter. Criteria: ACMG Guidelines, 2015. Collection method: clinical testing. Allele origin: germline. Affected: no.

GeneDx
Classification: Benign. Last evaluated: 2021-05-04. Review status: criteria provided, single submitter. Criteria: GeneDx Variant Classification Process June 2021. Collection method: clinical testing. Allele origin: germline. Affected: yes.

Illumina Laboratory Services, Illumina
Classification: Benign for D-2-hydroxyglutaric aciduria 1. Last evaluated: 2018-01-12. Review status: criteria provided, single submitter. Criteria: ICSL Variant Classification Criteria 13 December 2019. Collection method: clinical testing. Allele origin: germline.
Comment: This variant was observed in the ICSL laboratory as part of a predisposition screen in an ostensibly healthy population. It had not been previously curated by ICSL or reported in the Human Gene Mutation Database (HGMD: prior to June 1st, 2018), and was therefore a candidate for classification through an automated scoring system. Utilizing variant allele frequency, disease prevalence and penetrance estimates, and inheritance mode, an automated score was calculated to assess if this variant is too frequent to cause the disease. Based on the score and internal cut-off values, a variant classified as benign is not then subjected to further curation. The score for this variant resulted in a classification of benign for this disease.

Genetic Services Laboratory, University of Chicago
Classification: Likely benign. Last evaluated: 2013-10-31. Review status: criteria provided, single submitter. Criteria: ACMG Guidelines, 2007. Collection method: clinical testing. Allele origin: germline. Inheritance: Autosomal recessive inheritance.
Comment: Likely benign based on allele frequency in 1000 Genomes Project or ESP global frequency and its presence in a patient with a rare or unrelated disease phenotype. NOT Sanger confirmed

Breakthrough Genomics
Classification: Likely benign. Review status: criteria provided, single submitter. Criteria: ACMG Guidelines, 2015. Collection method: not provided. Allele origin: germline. Inheritance: Autosomal recessive inheritance. Affected: yes.

Mayo Clinic Laboratories, Mayo Clinic
Classification: Benign. Last evaluated: 2016-02-15. Review status: no assertion criteria provided. Collection method: clinical testing. Allele origin: unknown. Not counted in ClinVar's aggregate classification.

NM_152783.5(D2HGDH):c.1012G>A (p.Val338Ile)

Gene: D2HGDH (D-2-hydroxyglutarate dehydrogenase; plus strand). Cytogenetic location: 2q37.3.
Variant type: single nucleotide variant.
Coding change: c.1012G>A on transcript NM_152783.5 (MANE Select); coding-DNA position 1012, G replaced by A.
Protein change: p.Val338Ile; replaces valine 338 with isoleucine.
Molecular consequence: missense variant.
Genome position (GRCh38, 1-based): chr2:241,751,260, G>A. VCF-style: chr2-241751260-G-A. GRCh37 (hg19) VCF-style: chr2-242690675-G-A.
Other names: c.610G>A, p.Val204Ile (NM_001287249.2); c.451G>A, p.Val151Ile (NM_001352824.2); short protein forms V338I, V151I, V204I.
Identifiers: ClinVar variation 158404 (VCV000158404.27), dbSNP rs1106639, ClinGen allele CA171812.